The following is an entry in ClinVar:

NM_001004334.4(GPR179):c.4378G>A (p.Ala1460Thr)

Gene: GPR179 (G protein-coupled receptor 179; minus strand). Cytogenetic location: 17q12.
Variant type: single nucleotide variant.
Coding change: c.4378G>A on transcript NM_001004334.4 (MANE Select); coding-DNA position 4378, G replaced by A.
Protein change: p.Ala1460Thr; replaces alanine 1460 with threonine.
Molecular consequence: missense variant.
Genome position (GRCh38, 1-based): chr17:38,329,191, C>T on the plus strand (G>A on the coding strand, the complement: GPR179 is on the minus strand). VCF-style: chr17-38329191-C-T. GRCh37 (hg19) VCF-style: chr17-36485074-C-T.
Other names: c.4378G>A (NM_001004334.2); short protein forms A1460T.
Identifiers: ClinVar variation 1490353 (VCV001490353.6), dbSNP rs201645982, ClinGen allele CA290104210.

ClinVar aggregate classification (germline): Uncertain significance. Review status: criteria provided, multiple submitters, no conflicts (2 of 4 stars). 2 submissions from 2 submitters: Uncertain significance (2). Last evaluated 2025-06-25.

Conditions:
Inborn genetic diseases. Identifiers: MedGen C0950123, MeSH D030342.

Allele frequency attached by ClinVar (database versions not stated): ExAC 0.00002; gnomAD 0.00002; gnomAD exomes 0.00002 and 0.00003; TOPMed 0.00002; ESP Exome Variant Server 0.00024.
gnomAD v4.1: 44 of 1,613,896 alleles (0.0027%); highest among the groups gnomAD compares: Non-Finnish European, 0.0036%; no homozygotes.

Submissions (2):

Ambry Genetics
Classification: Uncertain significance for Inborn genetic diseases. Last evaluated: 2025-06-25. Review status: criteria provided, single submitter. Criteria: Ambry Variant Classification Scheme 2023. Collection method: clinical testing. Allele origin: germline.

Labcorp Genetics (formerly Invitae), Labcorp
Classification: Uncertain significance. Last evaluated: 2025-04-28. Review status: criteria provided, single submitter. Criteria: Invitae Variant Classification Sherloc (09022015). Collection method: clinical testing. Allele origin: germline.
Comment: This sequence change replaces alanine, which is neutral and non-polar, with threonine, which is neutral and polar, at codon 1460 of the GPR179 protein (p.Ala1460Thr). This variant is present in population databases (rs201645982, gnomAD 0.004%). This variant has not been reported in the literature in individuals affected with GPR179-related conditions. ClinVar contains an entry for this variant (Variation ID: 1490353). An algorithm developed to predict the effect of missense changes on protein structure and function outputs the following: PolyPhen-2: "Benign". The threonine amino acid residue is found in multiple mammalian species, which suggests that this missense change does not adversely affect protein function. In summary, the available evidence is currently insufficient to determine the role of this variant in disease. Therefore, it has been classified as a Variant of Uncertain Significance.